The following is an entry in ClinVar:

NM_002485.5(NBN):c.2071G>A (p.Val691Ile)

Gene: NBN (nibrin; minus strand). Cytogenetic location: 8q21.3.
Variant type: single nucleotide variant.
Coding change: c.2071G>A on transcript NM_002485.5 (MANE Select); coding-DNA position 2071, G replaced by A.
Protein change: p.Val691Ile; replaces valine 691 with isoleucine.
Molecular consequence: missense variant.
Genome position (GRCh38, 1-based): chr8:89,943,366, C>T on the plus strand (G>A on the coding strand, the complement: NBN is on the minus strand). VCF-style: chr8-89943366-C-T. GRCh37 (hg19) VCF-style: chr8-90955594-C-T.
Other names: c.1825G>A, p.Val609Ile (NM_001024688.3); short protein forms V691I, V609I.
Identifiers: ClinVar variation 239192 (VCV000239192.21), dbSNP rs772059959, ClinGen allele CA4802607.

ClinVar aggregate classification (germline): Uncertain significance. Review status: criteria provided, multiple submitters, no conflicts (2 of 4 stars). 4 submissions from 4 submitters: Uncertain significance (4). Last evaluated 2025-08-11.

Conditions:
Hereditary cancer-predisposing syndrome. Also called: Neoplastic Syndromes, Hereditary; Tumor predisposition; Hereditary neoplastic syndrome; Hereditary Cancer Syndrome. Identifiers: Orphanet 140162, MedGen C0027672, MeSH D009386, MONDO:0015356.
Microcephaly, normal intelligence and immunodeficiency (NBS). Also called: Ataxia telangiectasia variant V1; Nijmegen breakage syndrome; Microcephaly with normal intelligence immunodeficiency and lymphoreticular malignancies; Nonsyndromal microcephaly autosomal recessive with normal intelligence; Seemanova syndrome 2; IMMUNODEFICIENCY, MICROCEPHALY, AND CHROMOSOMAL INSTABILITY. Identifiers: Orphanet 647, MedGen C0398791, MONDO:0009623, OMIM 251260.
Aplastic anemia. Identifiers: Orphanet 182040, Orphanet 88, MedGen C0002874, MONDO:0015909, OMIM 609135, HP:0001915.

Allele frequency attached by ClinVar (database versions not stated): gnomAD exomes below 0.00001 and 0.00001; TOPMed below 0.00001; ExAC 0.00001.
gnomAD v4.1: 2 of 1,600,352 alleles (0.00012%); highest among the groups gnomAD compares: Non-Finnish European, 0.00017%; no homozygotes.

Submissions (4):

Ambry Genetics
Classification: Uncertain significance for Hereditary cancer-predisposing syndrome. Last evaluated: 2025-08-11. Review status: criteria provided, single submitter. Criteria: Ambry Variant Classification Scheme 2023. Collection method: clinical testing. Allele origin: germline.
Comment: The p.V691I variant (also known as c.2071G>A) is located in coding exon 14 of the NBN gene. The valine at codon 691 is replaced by isoleucine, an amino acid with highly similar properties. This change occurs in the first base pair of coding exon 14. This amino acid position is well conserved in available vertebrate species. In addition, this alteration is predicted to be tolerated by in silico analysis. Since supporting evidence is limited at this time, the clinical significance of this alteration remains unclear.

Labcorp Genetics (formerly Invitae), Labcorp
Classification: Uncertain significance for Microcephaly, normal intelligence and immunodeficiency. Last evaluated: 2024-10-24. Review status: criteria provided, single submitter. Criteria: Invitae Variant Classification Sherloc (09022015). Collection method: clinical testing. Allele origin: germline.
Comment: This sequence change replaces valine, which is neutral and non-polar, with isoleucine, which is neutral and non-polar, at codon 691 of the NBN protein (p.Val691Ile). This variant is present in population databases (rs772059959, gnomAD 0.002%). This variant has not been reported in the literature in individuals affected with NBN-related conditions. ClinVar contains an entry for this variant (Variation ID: 239192). An algorithm developed to predict the effect of missense changes on protein structure and function (PolyPhen-2) suggests that this variant is likely to be disruptive. In summary, the available evidence is currently insufficient to determine the role of this variant in disease. Therefore, it has been classified as a Variant of Uncertain Significance.

Baylor Genetics
Classification: Uncertain significance for Aplastic anemia. Last evaluated: 2023-11-06. Review status: criteria provided, single submitter. Criteria: ACMG Guidelines, 2015. Collection method: clinical testing. Allele origin: unknown.

Genome-Nilou Lab
Classification: Uncertain significance for Microcephaly, normal intelligence and immunodeficiency. Last evaluated: 2021-11-07. Review status: criteria provided, single submitter. Criteria: ACMG Guidelines, 2015. Collection method: clinical testing. Allele origin: germline. Affected: no.